The following is an entry in ClinVar:

ClinVar aggregate classification (germline): Uncertain significance. Review status: criteria provided, multiple submitters, no conflicts (2 of 4 stars). 3 submissions from 3 submitters: Uncertain significance (3). Last evaluated 2023-04-11.

Conditions:
Inborn genetic diseases. Identifiers: MedGen C0950123, MeSH D030342.
Developmental and epileptic encephalopathy, 18 (DEE18). Also called: Early infantile epileptic encephalopathy 18. Identifiers: Orphanet 369894, MedGen C3809624, MONDO:0014201, OMIM 615476.

Allele frequency attached by ClinVar (database versions not stated): gnomAD exomes below 0.00001; ExAC 0.00002.
gnomAD v4.1: 7 of 1,593,082 alleles (0.00044%); highest among the groups gnomAD compares: South Asian, 0.0012%; no homozygotes.

Submissions (3):

Genome-Nilou Lab
Classification: Uncertain significance for Developmental and epileptic encephalopathy, 18. Last evaluated: 2023-04-11. Review status: criteria provided, single submitter. Criteria: ACMG Guidelines, 2015. Collection method: clinical testing. Allele origin: germline. Affected: no.

Labcorp Genetics (formerly Invitae), Labcorp
Classification: Uncertain significance. Last evaluated: 2021-12-19. Review status: criteria provided, single submitter. Criteria: Invitae Variant Classification Sherloc (09022015). Collection method: clinical testing. Allele origin: germline.
Comment: This variant has not been reported in the literature in individuals affected with SZT2-related conditions. In summary, the available evidence is currently insufficient to determine the role of this variant in disease. Therefore, it has been classified as a Variant of Uncertain Significance. Algorithms developed to predict the effect of sequence changes on RNA splicing suggest that this variant may create or strengthen a splice site. Algorithms developed to predict the effect of missense changes on protein structure and function (SIFT, PolyPhen-2, Align-GVGD) all suggest that this variant is likely to be tolerated. The frequency data for this variant in the population databases is considered unreliable, as metrics indicate poor data quality at this position in the gnomAD database. This sequence change replaces isoleucine, which is neutral and non-polar, with valine, which is neutral and non-polar, at codon 1881 of the SZT2 protein (p.Ile1881Val).

Ambry Genetics
Classification: Uncertain significance for Inborn genetic diseases. Last evaluated: 2021-08-23. Review status: criteria provided, single submitter. Criteria: Ambry Variant Classification Scheme 2023. Collection method: clinical testing. Allele origin: germline.

NM_001365999.1(SZT2):c.5812A>G (p.Ile1938Val)

Gene: SZT2 (SZT2 subunit of KICSTOR complex; plus strand). Cytogenetic location: 1p34.2.
Variant type: single nucleotide variant.
Coding change: c.5812A>G on transcript NM_001365999.1 (MANE Select); coding-DNA position 5812, A replaced by G.
Protein change: p.Ile1938Val; replaces isoleucine 1938 with valine.
Molecular consequence: missense variant.
Genome position (GRCh38, 1-based): chr1:43,434,393, A>G. VCF-style: chr1-43434393-A-G. GRCh37 (hg19) VCF-style: chr1-43900064-A-G.
Other names: c.5641A>G, p.Ile1881Val (NM_015284.4); short protein forms I1881V, I1938V.
Identifiers: ClinVar variation 1897517 (VCV001897517.6), dbSNP rs745588596, ClinGen allele CA809711.
Genomic context (GRCh38, chr1:43,434,393, plus strand): 5'-TACATATAACTCCTCCCCACTGCAGTTCTGGTCAGATTATCCTTCCTTCCCAGGAGCCTG[A>G]TTCGGGAGGATGGGGGGCCGGGCACTGAGTGTCGCCACCTGCAGCAGCTCCTGGTGAGGC-3'
Protein context (NP_001352928.1, residues 1928-1948): VEVYAHARSL[Ile1938Val]REDGGPGTEC